The following is an entry in ClinVar:

ClinVar aggregate classification (germline): Uncertain significance (1 of 4 stars; one submission).

Conditions:
Mitochondrial complex II deficiency, nuclear type 1. Also called: SUCCINATE CoQ REDUCTASE DEFICIENCY. Identifiers: Orphanet 3208, MedGen C5700310, MONDO:0100294, OMIM 252011.
Pheochromocytoma/paraganglioma syndrome 5. Also called: Paragangliomas 5; SDHA-Related Hereditary Paraganglioma-Pheochromocytoma Syndrome. Identifiers: Orphanet 29072, MedGen C3279992, MONDO:0013602, OMIM 614165.

Submission:

Labcorp Genetics (formerly Invitae), Labcorp
Classification: Uncertain significance for Pheochromocytoma/paraganglioma syndrome 5; Mitochondrial complex II deficiency, nuclear type 1. Last evaluated: 2020-11-21. Review status: criteria provided, single submitter. Criteria: Invitae Variant Classification Sherloc (09022015). Collection method: clinical testing. Allele origin: germline.
Comment: In summary, the available evidence is currently insufficient to determine the role of this variant in disease. Therefore, it has been classified as a Variant of Uncertain Significance. Advanced modeling of protein sequence and biophysical properties (such as structural, functional, and spatial information, amino acid conservation, physicochemical variation, residue mobility, and thermodynamic stability) performed at Invitae indicates that this missense variant is not expected to disrupt SDHA protein function. This variant has not been reported in the literature in individuals with SDHA-related conditions. This variant is not present in population databases (ExAC no frequency). This sequence change replaces glycine with arginine at codon 32 of the SDHA protein (p.Gly32Arg). The glycine residue is weakly conserved and there is a moderate physicochemical difference between glycine and arginine.

NM_004168.4(SDHA):c.94G>C (p.Gly32Arg)

Gene: SDHA (succinate dehydrogenase complex flavoprotein subunit A; plus strand). Cytogenetic location: 5p15.33.
Variant type: single nucleotide variant.
Coding change: c.94G>C on transcript NM_004168.4 (MANE Select); coding-DNA position 94, G replaced by C.
Protein change: p.Gly32Arg; replaces glycine 32 with arginine.
Molecular consequence: missense variant.
Genome position (GRCh38, 1-based): chr5:223,512, G>C. VCF-style: chr5-223512-G-C. GRCh37 (hg19) VCF-style: chr5-223627-G-C.
Other names: c.94G>C, p.Gly32Arg (NM_001294332.2, NM_001330758.2); short protein forms G32R.
Identifiers: ClinVar variation 1019190 (VCV001019190.9), dbSNP rs1734831542, ClinGen allele CA359008120.